The following is an entry in ClinVar:

NM_001173990.3(TMEM216):c.4C>T (p.Leu2=)

Gene: TMEM216 (transmembrane protein 216; plus strand). Cytogenetic location: 11q12.2.
Variant type: single nucleotide variant.
Coding change: c.4C>T on transcript NM_001173990.3 (MANE Select); coding-DNA position 4, C replaced by T.
Protein change: p.Leu2=; no amino-acid change (leucine 2 retained).
Molecular consequence: synonymous variant. On other transcripts: 5 prime UTR variant (2).
Genome position (GRCh38, 1-based): chr11:61,392,635, C>T. VCF-style: chr11-61392635-C-T. GRCh37 (hg19) VCF-style: chr11-61160107-C-T.
Other names: c.4C>T (NM_001173991.2); c.4C>T, p.Leu2= (NM_001173991.3); c.-194C>T (NM_001330285.2, NM_016499.6).
Identifiers: ClinVar variation 502341 (VCV000502341.11), dbSNP rs1554972407, ClinGen allele CA474518313.
Genomic context (GRCh38, chr11:61,392,635, plus strand): 5'-CGCTTCGTCCCTGTTTCCGGCAGCGCCGCGCTGCTCCGGGAGCCGCTGTGGCAGCGTATG[C>T]TGCCACGGGGACTGAAGATGGCGCCGCGAGGTGAGATTCCGGAGGTGTGTGAGTCGCTGG-3'
Protein context (NP_001167461.1, residues 1-12): M[Leu2=]PRGLKMAPRG

ClinVar aggregate classification (germline): Conflicting classifications of pathogenicity. Review status: criteria provided, conflicting classifications (1 of 4 stars). 3 submissions from 3 submitters: Uncertain significance (1); Likely benign (2). Last evaluated 2026-01-13.

Conditions:
TMEM216-related disorder. Also called: TMEM216-related condition; TMEM216-related disorders.
Joubert syndrome. Also called: JOUBERT-BOLTSHAUSER SYNDROME; Familial aplasia of the vermis. Identifiers: Orphanet 475, MedGen C5979921, MONDO:0018772.

Submissions (3):

PreventionGenetics, part of Exact Sciences
Classification: Likely benign for TMEM216-related condition. Last evaluated: 2026-01-13. Review status: criteria provided, single submitter. Criteria: ACMG Guidelines, 2015. Collection method: clinical testing. Allele origin: germline.
Comment: This variant is classified as likely benign based on ACMG/AMP sequence variant interpretation guidelines (Richards et al. 2015 PMID: 25741868, with internal and published modifications).

Labcorp Genetics (formerly Invitae), Labcorp
Classification: Likely benign for Joubert syndrome. Last evaluated: 2022-08-01. Review status: criteria provided, single submitter. Criteria: Invitae Variant Classification Sherloc (09022015). Collection method: clinical testing. Allele origin: germline.

Eurofins Ntd Llc (ga)
Classification: Uncertain significance. Last evaluated: 2017-05-31. Review status: criteria provided, single submitter. Criteria: EGL Classification Definitions 2015. Collection method: clinical testing. Allele origin: germline. Observed: 1 variant allele, 1 heterozygote.